The following is an entry in ClinVar:

ClinVar aggregate classification (germline): Conflicting classifications of pathogenicity. Review status: criteria provided, conflicting classifications (1 of 4 stars). 7 submissions from 6 submitters: Uncertain significance (1); Benign (1); Likely benign (4). 1 of the submissions does not count toward it. Last evaluated 2026-02-12.

Conditions:
Aicardi Goutieres syndrome (AGS). Also called: Encephalopathy, familial infantile, with calcification of basal ganglia and chronic cerebrospinal fluid lymphocytosis. Identifiers: Orphanet 51, MedGen C0393591, MONDO:0018866.
Aicardi-Goutieres syndrome 5. Identifiers: Orphanet 51, MedGen C2749659, MONDO:0013059, OMIM 612952.
Chilblain lupus 2 (CHBL2). Identifiers: MedGen C3280721, MONDO:0013739, OMIM 614415.

Allele frequency attached by ClinVar (database versions not stated): gnomAD exomes 0.00023 and 0.00059; ExAC 0.00070; gnomAD 0.00238 and 0.00252; 1000 Genomes Project 0.00240; ESP Exome Variant Server 0.00246; 1000 Genomes Project 30x 0.00265; TOPMed 0.00268.

Submissions (7):

Women's Health and Genetics/Laboratory Corporation of America, LabCorp
Classification: Likely benign. Last evaluated: 2026-02-12. Review status: criteria provided, single submitter. Criteria: LabCorp Variant Classification Summary - May 2015. Collection method: clinical testing. Allele origin: germline.
Comment: Variant summary: SAMHD1 c.77C>T (p.Pro26Leu) results in a non-conservative amino acid change in the encoded protein sequence. Algorithms developed to predict the effect of missense changes on protein structure and function are either unavailable or do not agree on the potential impact of this missense change. The variant allele was found at a frequency of 0.00059 in 251282 control chromosomes, predominantly at a frequency of 0.0083 within the African or African-American subpopulation in the gnomAD database, including 1 homozygote. The observed variant frequency within African or African-American control individuals in the gnomAD database exceeds the estimated maximal expected allele frequency for disease-causing variants in SAMHD1. To our knowledge, no occurrence of c.77C>T in individuals affected with SAMHD1-related conditions and no experimental evidence demonstrating its impact on protein function have been reported. ClinVar contains an entry for this variant (Variation ID: 338350). Based on the evidence outlined above, the variant was classified as likely benign.

Labcorp Genetics (formerly Invitae), Labcorp
Classification: Likely benign for Aicardi-Goutieres syndrome 5. Last evaluated: 2026-02-01. Review status: criteria provided, single submitter. Criteria: Invitae Variant Classification Sherloc (09022015). Collection method: clinical testing. Allele origin: germline.

Blueprint Genetics
Classification: Likely benign. Last evaluated: 2024-10-16. Review status: criteria provided, single submitter. Criteria: ACMG Guidelines, 2015. Collection method: clinical testing. Allele origin: germline.

Athena Diagnostics
Classification: Uncertain significance. Last evaluated: 2018-04-11. Review status: criteria provided, single submitter. Criteria: Athena Diagnostics Criteria. Collection method: clinical testing. Allele origin: germline.

Illumina Laboratory Services, Illumina
Classification: Benign for Chilblain lupus 2. Last evaluated: 2018-01-13. Review status: criteria provided, single submitter. Criteria: ICSL Variant Classification Criteria 13 December 2019. Collection method: clinical testing. Allele origin: germline.
Comment: This variant was observed in the ICSL laboratory as part of a predisposition screen in an ostensibly healthy population. It had not been previously curated by ICSL or reported in the Human Gene Mutation Database (HGMD: prior to June 1st, 2018), and was therefore a candidate for classification through an automated scoring system. Utilizing variant allele frequency, disease prevalence and penetrance estimates, and inheritance mode, an automated score was calculated to assess if this variant is too frequent to cause the disease. Based on the score and internal cut-off values, a variant classified as benign is not then subjected to further curation. The score for this variant resulted in a classification of benign for this disease.

Illumina Laboratory Services, Illumina
Classification: Likely benign for Aicardi-Goutieres syndrome 5. Last evaluated: 2018-01-13. Review status: criteria provided, single submitter. Criteria: ICSL Variant Classification Criteria 13 December 2019. Collection method: clinical testing. Allele origin: germline.
Comment: This variant was observed in the ICSL laboratory as part of a predisposition screen in an ostensibly healthy population. It had not been previously curated by ICSL or reported in the Human Gene Mutation Database (HGMD: prior to June 1st, 2018), and was therefore a candidate for classification through an automated scoring system. Utilizing variant allele frequency, disease prevalence and penetrance estimates, and inheritance mode, an automated score was calculated to assess if this variant is too frequent to cause the disease. Based on the score and internal cut-off values, a variant classified as likely benign is not then subjected to further curation. The score for this variant resulted in a classification of likely benign for this disease.

Natera, Inc.
Classification: Likely benign for Aicardi-Goutieres syndrome. Last evaluated: 2019-11-11. Review status: no assertion criteria provided. Collection method: clinical testing. Allele origin: germline. Not counted in ClinVar's aggregate classification.

NM_015474.4(SAMHD1):c.77C>T (p.Pro26Leu)

Gene: SAMHD1 (SAM and HD domain containing deoxynucleoside triphosphate triphosphohydrolase 1; minus strand). Cytogenetic location: 20q11.23.
Variant type: single nucleotide variant.
Coding change: c.77C>T on transcript NM_015474.4 (MANE Select); coding-DNA position 77, C replaced by T.
Protein change: p.Pro26Leu; replaces proline 26 with leucine.
Molecular consequence: missense variant.
Genome position (GRCh38, 1-based): chr20:36,951,567, G>A on the plus strand (C>T on the coding strand, the complement: SAMHD1 is on the minus strand). VCF-style: chr20-36951567-G-A. GRCh37 (hg19) VCF-style: chr20-35579970-G-A.
Other names: c.77C>T, p.Pro26Leu (NM_001363729.2, NM_001363733.2); short protein forms P26L.
Identifiers: ClinVar variation 338350 (VCV000338350.19), dbSNP rs147240777, ClinGen allele CA9844839.
Genomic context (GRCh38, chr20:36,951,567, plus strand): 5'-CCCCATGTCTTGTAGTCGGGATGGAGTTCCAGGCCCGGGGACCAGTCTGCCTCTGCGGAA[G>A]GGGTGTTTGAGGGGGTTCTCGGGCTGTCATCGCAACGGGGACGCTTGGAGGGCTGCTCGG-3'
Protein context (NP_056289.2, residues 16-36): DDSPRTPSNT[Pro26Leu]SAEADWSPGL